The following is an entry in ClinVar:

NM_004370.6(COL12A1):c.8942G>T (p.Gly2981Val)

Gene: COL12A1 (collagen type XII alpha 1 chain; minus strand). Cytogenetic location: 6q13.
Variant type: single nucleotide variant.
Coding change: c.8942G>T on transcript NM_004370.6 (MANE Select); coding-DNA position 8942, G replaced by T.
Protein change: p.Gly2981Val; replaces glycine 2981 with valine.
Molecular consequence: missense variant.
Genome position (GRCh38, 1-based): chr6:75,089,174, C>A on the plus strand (G>T on the coding strand, the complement: COL12A1 is on the minus strand). VCF-style: chr6-75089174-C-A. GRCh37 (hg19) VCF-style: chr6-75798890-C-A.
Other names: c.8942G>T, p.Gly2981Val (NM_001424113.1); c.8921G>T, p.Gly2974Val (NM_001424114.1); c.8669G>T, p.Gly2890Val (NM_001424115.1); c.5450G>T, p.Gly1817Val (NM_001424116.1, NM_080645.3); short protein forms G1817V, G2890V, G2974V, G2981V.
Identifiers: ClinVar variation 4086591 (VCV004086591.1).
Genomic context (GRCh38, chr6:75,089,174, plus strand): 5'-CCAGGCAGCCCCCGAGGTCCTGAAGATCCAGTACCCCTTTCACCTTTCTCTCCTGGCAAA[C>A]CTAAGGAGGGAGAAAAAGAGAAAGCACAGGGGAAAAATTATCTGGAAGCATGTAATTTTC-3'
Protein context (NP_004361.3, residues 2971-2991): PGMQGPPGER[Gly2981Val]LPGEKGERGT

ClinVar aggregate classification (germline): Uncertain significance (1 of 4 stars; one submission).

Submission:

GeneDx
Classification: Uncertain significance. Last evaluated: 2025-03-18. Review status: criteria provided, single submitter. Criteria: GeneDx Variant Classification Process June 2021. Collection method: clinical testing. Allele origin: germline. Affected: yes.
Comment: Not observed at significant frequency in large population cohorts (gnomAD); In silico analysis supports that this missense variant has a deleterious effect on protein structure/function; Has not been previously published as pathogenic or benign to our knowledge